The following is an entry in ClinVar:

ClinVar aggregate classification (germline): Likely benign (1 of 4 stars; one submission).

Allele frequency attached by ClinVar (database versions not stated): gnomAD exomes below 0.00001.
gnomAD v4.1: 3 of 1,211,479 alleles (0.00025%); highest among the groups gnomAD compares: Non-Finnish European, 0.00034%; no homozygotes.

Submission:

CeGaT Center for Human Genetics Tuebingen
Classification: Likely benign. Last evaluated: 2024-05-01. Review status: criteria provided, single submitter. Criteria: CeGaT Center For Human Genetics Tuebingen Variant Classification Criteria Version 2. Collection method: clinical testing. Allele origin: germline. Affected: yes. Observed: 1 variant allele.
Comment: SMC1A: PM2:Supporting, BP4, BP7

NM_006306.4(SMC1A):c.153A>G (p.Glu51=)

Gene: SMC1A (structural maintenance of chromosomes 1A; minus strand). Cytogenetic location: Xp11.22.
Variant type: single nucleotide variant.
Coding change: c.153A>G on transcript NM_006306.4 (MANE Select); coding-DNA position 153, A replaced by G.
Protein change: p.Glu51=; no amino-acid change (glutamic acid 51 retained).
Molecular consequence: synonymous variant.
Genome position (GRCh38, 1-based): chrX:53,415,126, T>C on the plus strand (A>G on the coding strand, the complement: SMC1A is on the minus strand). VCF-style: chrX-53415126-T-C. GRCh37 (hg19) VCF-style: chrX-53442075-T-C.
Other names: c.87A>G, p.Glu29= (NM_001281463.1).
Identifiers: ClinVar variation 3239310 (VCV003239310.19), dbSNP rs2520971022.
Genomic context (GRCh38, chrX:53,415,126, plus strand): 5'-GCCCACAGGAGCTCCATGGATCAGGTCCCGCAGGGTCTTTACCCGCAGGTTGCTGGTTTT[T>C]TCACCTAGCACAAAGCTGATGGCATCCATGAGATTTGACTTACCTAAGGGAAGAGGGACG-3'
Protein context (NP_006297.2, residues 41-61): LMDAISFVLG[Glu51=]KTSNLRVKTL